The following is an entry in ClinVar:

NM_000257.4(MYH7):c.2481G>A (p.Trp827Ter)

Genes: MYH7 (myosin heavy chain 7; minus strand), LOC126861898 (BRD4-independent group 4 enhancer GRCh37_chr14:23893609-23894808; plus strand). Cytogenetic location: 14q11.2.
Variant type: single nucleotide variant.
Coding change: c.2481G>A on transcript NM_000257.4 (MANE Select); coding-DNA position 2481, G replaced by A.
Protein change: p.Trp827Ter; replaces tryptophan 827 with a stop codon.
Molecular consequence: nonsense.
Genome position (GRCh38, 1-based): chr14:23,424,967, C>T on the plus strand (G>A on the coding strand, the complement: MYH7 is on the minus strand). VCF-style: chr14-23424967-C-T. GRCh37 (hg19) VCF-style: chr14-23894176-C-T.
Other names: c.2481G>A, p.Trp827Ter (NM_001407004.1); short protein forms W827*.
Identifiers: ClinVar variation 3658101 (VCV003658101.2).

ClinVar aggregate classification (germline): Uncertain significance (1 of 4 stars; one submission).

Conditions:
Hypertrophic cardiomyopathy. Also called: HYPERTROPHIC MYOCARDIOPATHY. Identifiers: Orphanet 217569, MedGen C0007194, MeSH D002312, MONDO:0005045, HP:0001639.

Submission:

Labcorp Genetics (formerly Invitae), Labcorp
Classification: Uncertain significance for Hypertrophic cardiomyopathy. Last evaluated: 2024-06-28. Review status: criteria provided, single submitter. Criteria: Invitae Variant Classification Sherloc (09022015). Collection method: clinical testing. Allele origin: germline.
Comment: This sequence change creates a premature translational stop signal (p.Trp827*) in the MYH7 gene. It is expected to result in an absent or disrupted protein product. However, the current clinical and genetic evidence is not sufficient to establish whether loss-of-function variants in MYH7 cause disease. This variant is not present in population databases (gnomAD no frequency). This variant has not been reported in the literature in individuals affected with MYH7-related conditions. In summary, the available evidence is currently insufficient to determine the role of this variant in disease. Therefore, it has been classified as a Variant of Uncertain Significance.